The following is an entry in ClinVar:

NM_001174147.2(LMX1B):c.409C>T (p.His137Tyr)

Gene: LMX1B (LIM homeobox transcription factor 1 beta; plus strand). Cytogenetic location: 9q33.3.
Variant type: single nucleotide variant.
Coding change: c.409C>T on transcript NM_001174147.2 (MANE Select); coding-DNA position 409, C replaced by T.
Protein change: p.His137Tyr; replaces histidine 137 with tyrosine.
Molecular consequence: missense variant.
Genome position (GRCh38, 1-based): chr9:126,690,918, C>T. VCF-style: chr9-126690918-C-T. GRCh37 (hg19) VCF-style: chr9-129453197-C-T.
Other names: c.409C>T, p.His137Tyr (NM_001174146.2, NM_002316.4); short protein forms H137Y.
Identifiers: ClinVar variation 1438692 (VCV001438692.8), dbSNP rs2030102410, ClinGen allele CA374912335.

ClinVar aggregate classification (germline): Pathogenic (1 of 4 stars; one submission).

Allele frequency attached by ClinVar (database versions not stated): gnomAD exomes below 0.00001.
gnomAD v4.1: 1 of 1,614,080 alleles (0.000062%); highest among the groups gnomAD compares: Non-Finnish European, 0.000085%; no homozygotes.

Submission:

Labcorp Genetics (formerly Invitae), Labcorp
Classification: Pathogenic. Last evaluated: 2025-08-11. Review status: criteria provided, single submitter. Criteria: Invitae Variant Classification Sherloc (09022015). Collection method: clinical testing. Allele origin: germline.
Comment: This sequence change replaces histidine, which is basic and polar, with tyrosine, which is neutral and polar, at codon 137 of the LMX1B protein (p.His137Tyr). This variant is not present in population databases (gnomAD no frequency). This missense change has been observed in individuals with clinical features of nail-patella syndrome (PMID: 11668639; internal data). This variant is also known as p.His114Tyr. ClinVar contains an entry for this variant (Variation ID: 1438692). Invitae Evidence Modeling of protein sequence and biophysical properties (such as structural, functional, and spatial information, amino acid conservation, physicochemical variation, residue mobility, and thermodynamic stability) indicates that this missense variant is expected to disrupt LMX1B protein function with a positive predictive value of 80%. This variant disrupts the p.His137 amino acid residue in LMX1B. Other variant(s) that disrupt this residue have been observed in individuals with LMX1B-related conditions (PMID: 11668639, 19194568), which suggests that this may be a clinically significant amino acid residue. For these reasons, this variant has been classified as Pathogenic.

Literature cited by the submitters: PubMed 11668639; PubMed 19194568.